The following is an entry in ClinVar:

NM_001184880.2(PCDH19):c.2884C>T (p.Arg962Trp)

Gene: PCDH19 (protocadherin 19; minus strand). Cytogenetic location: Xq22.1.
Variant type: single nucleotide variant.
Coding change: c.2884C>T on transcript NM_001184880.2 (MANE Select); coding-DNA position 2884, C replaced by T.
Protein change: p.Arg962Trp; replaces arginine 962 with tryptophan.
Molecular consequence: missense variant.
Genome position (GRCh38, 1-based): chrX:100,296,840, G>A on the plus strand (C>T on the coding strand, the complement: PCDH19 is on the minus strand). VCF-style: chrX-100296840-G-A. GRCh37 (hg19) VCF-style: chrX-99551838-G-A.
Other names: c.2743C>T, p.Arg915Trp (NM_001105243.2); c.2740C>T, p.Arg914Trp (NM_020766.3); short protein forms R962W, R914W, R915W.
Identifiers: ClinVar variation 432400 (VCV000432400.4), dbSNP rs779085409, ClinGen allele CA10468696.
Genomic context (GRCh38, chrX:100,296,840, plus strand): 5'-TGGAACGGATGGGCATGGGGTTCCGGGGCATCCAGCACCTGTCAGAGTGGCCAAGAATCC[G>A]GCATTCTTCCCGGCAATGAAATCCTTCATTCTGATCTGTTTGGAAAAAAGAAAATATCAA-3'
Protein context (NP_001171809.1, residues 952-972): NEGFHCREEC[Arg962Trp]ILGHSDRCWM

ClinVar aggregate classification (germline): Uncertain significance. Review status: criteria provided, multiple submitters, no conflicts (2 of 4 stars). 2 submissions from 2 submitters: Uncertain significance (2). Last evaluated 2025-09-25.

Conditions:
Inborn genetic diseases. Identifiers: MedGen C0950123, MeSH D030342.

Allele frequency attached by ClinVar (database versions not stated): gnomAD exomes 0.00002 and 0.00001; TOPMed below 0.00001; ExAC 0.00002.
gnomAD v4.1: 8 of 1,209,942 alleles (0.00066%); highest among the groups gnomAD compares: South Asian, 0.011%; no homozygotes.

Submissions (2):

Ambry Genetics
Classification: Uncertain significance for Inborn genetic diseases. Last evaluated: 2025-09-25. Review status: criteria provided, single submitter. Criteria: Ambry Variant Classification Scheme 2023. Collection method: clinical testing. Allele origin: germline.

GeneDx
Classification: Uncertain significance. Last evaluated: 2024-01-23. Review status: criteria provided, single submitter. Criteria: GeneDx Variant Classification Process June 2021. Collection method: clinical testing. Allele origin: germline. Affected: yes.
Comment: Missense variants in this gene are a common cause of disease and they are underrepresented in the general population; In silico analysis supports that this missense variant has a deleterious effect on protein structure/function; Has not been previously published as pathogenic or benign to our knowledge